The following is an entry in ClinVar:

ClinVar aggregate classification (germline): Uncertain significance. Review status: criteria provided, multiple submitters, no conflicts (2 of 4 stars). 2 submissions from 2 submitters: Uncertain significance (2). Last evaluated 2025-08-01.

Conditions:
Inborn genetic diseases. Identifiers: MedGen C0950123, MeSH D030342.
LAMA2-related muscular dystrophy (LAMA2-RD). Also called: Laminin alpha 2-related dystrophy. Identifiers: MedGen C5679788, MONDO:0100228.

Allele frequency attached by ClinVar (database versions not stated): gnomAD exomes below 0.00001; ExAC 0.00001; gnomAD 0.00001; TOPMed 0.00001.
gnomAD v4.1: 3 of 1,613,078 alleles (0.00019%); highest among the groups gnomAD compares: Non-Finnish European, 0.00025%; no homozygotes.

Submissions (2):

Ambry Genetics
Classification: Uncertain significance for Inborn genetic diseases. Last evaluated: 2025-08-01. Review status: criteria provided, single submitter. Criteria: Ambry Variant Classification Scheme 2023. Collection method: clinical testing. Allele origin: germline.

Labcorp Genetics (formerly Invitae), Labcorp
Classification: Uncertain significance for LAMA2-related muscular dystrophy. Last evaluated: 2020-09-21. Review status: criteria provided, single submitter. Criteria: Invitae Variant Classification Sherloc (09022015). Collection method: clinical testing. Allele origin: germline.
Comment: This sequence change replaces asparagine with serine at codon 1035 of the LAMA2 protein (p.Asn1035Ser). The asparagine residue is highly conserved and there is a small physicochemical difference between asparagine and serine. This variant is present in population databases (rs773000879, ExAC 0.01%). This variant has not been reported in the literature in individuals with LAMA2-related conditions. Algorithms developed to predict the effect of missense changes on protein structure and function are either unavailable or do not agree on the potential impact of this missense change (SIFT: "Tolerated"; PolyPhen-2: "Probably Damaging"; Align-GVGD: "Class C0"). Algorithms developed to predict the effect of sequence changes on RNA splicing suggest that this variant may create or strengthen a splice site, but this prediction has not been confirmed by published transcriptional studies. In summary, the available evidence is currently insufficient to determine the role of this variant in disease. Therefore, it has been classified as a Variant of Uncertain Significance.

NM_000426.4(LAMA2):c.3104A>G (p.Asn1035Ser)

Gene: LAMA2 (laminin subunit alpha 2; plus strand). Cytogenetic location: 6q22.33.
Variant type: single nucleotide variant.
Coding change: c.3104A>G on transcript NM_000426.4 (MANE Select); coding-DNA position 3104, A replaced by G.
Protein change: p.Asn1035Ser; replaces asparagine 1035 with serine.
Molecular consequence: missense variant.
Genome position (GRCh38, 1-based): chr6:129,300,802, A>G. VCF-style: chr6-129300802-A-G. GRCh37 (hg19) VCF-style: chr6-129621947-A-G.
Other names: c.3104A>G, p.Asn1035Ser (NM_001079823.2); short protein forms N1035S.
Identifiers: ClinVar variation 2068834 (VCV002068834.2), dbSNP rs773000879, ClinGen allele CA3993171.